The following is an entry in ClinVar:

NM_004646.4(NPHS1):c.2289del (p.Asp764fs)

Gene: NPHS1 (NPHS1 adhesion molecule, nephrin; minus strand). Cytogenetic location: 19q13.12.
Variant type: Deletion.
Coding change: c.2289del on transcript NM_004646.4 (MANE Select); coding-DNA position 2289, one base deleted (C; older notation c.2289delC).
Protein change: p.Asp764fs; shifts the reading frame from aspartic acid 764.
Molecular consequence: frameshift variant.
Genome position (GRCh38, 1-based): chr19:35,843,517, G deleted on the plus strand (C on the coding strand, the reverse complement: NPHS1 is on the minus strand). VCF-style (leftmost placement, unchanged base first): chr19-35843516-CG-C. GRCh37 (hg19) VCF-style: chr19-36334418-CG-C.
Other names: short protein forms D764fs.
Identifiers: ClinVar variation 1071951 (VCV001071951.8), dbSNP rs2146821009, ClinGen allele CA2499225449.

ClinVar aggregate classification (germline): Pathogenic. Review status: criteria provided, multiple submitters, no conflicts (2 of 4 stars). 2 submissions from 2 submitters: Pathogenic (2). Last evaluated 2024-03-30.

Conditions:
Finnish congenital nephrotic syndrome (NPHS1). Also called: NEPHROTIC SYNDROME, TYPE 1. Identifiers: Orphanet 839, MedGen C0403399, MONDO:0009732, OMIM 256300.

Submissions (2):

Myriad Genetics, Inc.
Classification: Pathogenic for Finnish congenital nephrotic syndrome. Last evaluated: 2024-03-30. Review status: criteria provided, single submitter. Criteria: Myriad Autosomal Dominant, Autosomal Recessive and X-Linked Classification Criteria (2023). Collection method: clinical testing. Allele origin: unknown.
Comment: NM_004646.3(NPHS1):c.2289delC(D764Mfs*83) is expected to be pathogenic in the context of nephrotic syndrome, NPHS1-related. This variant is predicted to lead to an abnormal or absent protein product due to the creation of a premature termination codon in NPHS1, a gene where loss-of-function variants are known to be pathogenic. Please note: this variant was assessed in the context of healthy population screening.

Labcorp Genetics (formerly Invitae), Labcorp
Classification: Pathogenic. Last evaluated: 2020-10-13. Review status: criteria provided, single submitter. Criteria: Invitae Variant Classification Sherloc (09022015). Collection method: clinical testing. Allele origin: germline.
Comment: This variant is not present in population databases (ExAC no frequency). This variant has not been reported in the literature in individuals with NPHS1-related conditions. Loss-of-function variants in NPHS1 are known to be pathogenic (PMID: 11317351, 11854170, 12039988). For these reasons, this variant has been classified as Pathogenic. This sequence change creates a premature translational stop signal (p.Asp764Metfs*83) in the NPHS1 gene. It is expected to result in an absent or disrupted protein product.

Literature cited by the submitters: PubMed 11317351 (cited by Labcorp Genetics (formerly Invitae), Labcorp); PubMed 11854170 (cited by Labcorp Genetics (formerly Invitae), Labcorp); PubMed 12039988 (cited by Labcorp Genetics (formerly Invitae), Labcorp).